The following is an entry in ClinVar:

ClinVar aggregate classification (germline): Uncertain significance (1 of 4 stars; one submission).

Allele frequency attached by ClinVar (database versions not stated): gnomAD exomes below 0.00001.
gnomAD v4.1: 6 of 1,613,500 alleles (0.00037%); highest among the groups gnomAD compares: Non-Finnish European, 0.00042%; no homozygotes.

Submission:

Labcorp Genetics (formerly Invitae), Labcorp
Classification: Uncertain significance. Last evaluated: 2025-03-17. Review status: criteria provided, single submitter. Criteria: Invitae Variant Classification Sherloc (09022015). Collection method: clinical testing. Allele origin: germline.
Comment: This sequence change replaces isoleucine, which is neutral and non-polar, with threonine, which is neutral and polar, at codon 287 of the CCT2 protein (p.Ile287Thr). This variant is not present in population databases (gnomAD no frequency). This variant has not been reported in the literature in individuals affected with CCT2-related conditions. ClinVar contains an entry for this variant (Variation ID: 1359167). An algorithm developed to predict the effect of missense changes on protein structure and function (PolyPhen-2) suggests that this variant is likely to be disruptive. In summary, the available evidence is currently insufficient to determine the role of this variant in disease. Therefore, it has been classified as a Variant of Uncertain Significance.

NM_006431.3(CCT2):c.860T>C (p.Ile287Thr)

Gene: CCT2 (chaperonin containing TCP1 subunit 2; plus strand). Cytogenetic location: 12q15.
Variant type: single nucleotide variant.
Coding change: c.860T>C on transcript NM_006431.3 (MANE Select); coding-DNA position 860, T replaced by C.
Protein change: p.Ile287Thr; replaces isoleucine 287 with threonine.
Molecular consequence: missense variant.
Genome position (GRCh38, 1-based): chr12:69,593,085, T>C. VCF-style: chr12-69593085-T-C. GRCh37 (hg19) VCF-style: chr12-69986865-T-C.
Other names: c.719T>C, p.Ile240Thr (NM_001198842.2); short protein forms I287T, I240T.
Identifiers: ClinVar variation 1359167 (VCV001359167.8), dbSNP rs2135854953, ClinGen allele CA385728653.